The following is an entry in ClinVar:

ClinVar aggregate classification (germline): Likely benign. Review status: criteria provided, multiple submitters, no conflicts (2 of 4 stars). 4 submissions from 4 submitters: Likely benign (3). 1 of the submissions does not count toward it. Last evaluated 2026-07-01.

Conditions:
LARP7-related disorder. Also called: LARP7-related condition.

Submissions (4):

CeGaT Center for Human Genetics Tuebingen
Classification: Likely benign. Last evaluated: 2026-07-01. Review status: criteria provided, single submitter. Criteria: CeGaT Center For Human Genetics Tuebingen Variant Classification Criteria Version 2. Collection method: clinical testing. Allele origin: germline. Affected: yes. Observed: 11 variant alleles.
Comment: LARP7: PM4:Supporting, BS2

Labcorp Genetics (formerly Invitae), Labcorp
Classification: Likely benign. Last evaluated: 2026-01-19. Review status: criteria provided, single submitter. Criteria: Invitae Variant Classification Sherloc (09022015). Collection method: clinical testing. Allele origin: germline.

Blueprint Genetics
Classification: Likely benign. Last evaluated: 2024-11-26. Review status: criteria provided, single submitter. Criteria: ACMG Guidelines, 2015. Collection method: clinical testing. Allele origin: germline.

PreventionGenetics, part of Exact Sciences
Classification: Likely benign for LARP7-related condition. Last evaluated: 2022-02-10. Review status: no assertion criteria provided. Collection method: clinical testing. Allele origin: germline. Not counted in ClinVar's aggregate classification.
Comment: This variant is classified as likely benign based on ACMG/AMP sequence variant interpretation guidelines (Richards et al. 2015 PMID: 25741868, with internal and published modifications).

NM_016648.4(LARP7):c.62AAG[1] (p.Glu22del)

Gene: LARP7 (La ribonucleoprotein 7, transcriptional regulator; plus strand). Cytogenetic location: 4q25.
Variant type: Microsatellite.
Coding change: c.62AAG[1] on transcript NM_016648.4 (MANE Select); one copy of the 3-base unit AAG starting at c.62; the reference has two copies in a row; one copy, 3 bases deleted.
Protein change: p.Glu22del; deletes glutamic acid 22.
Molecular consequence: inframe deletion. On other transcripts: 5 prime UTR variant (2).
Genome position (GRCh38, 1-based): chr4:112,644,734-112,644,736, AAG deleted; deleting any 3 consecutive bases within chr4:112,644,731-112,644,736 gives the same sequence; the position shown is the placement nearest the transcript's 3' end. VCF-style (leftmost placement, unchanged base first): chr4-112644730-AAAG-A. GRCh37 (hg19) VCF-style: chr4-113565886-AAAG-A.
Other names: c.62AAG[1], p.Glu22del (NM_001267039.4, NM_001370974.1, NM_001370975.1 and 6 more transcripts); c.-73AAG[1] (NM_001370981.1, NM_001370982.1); c.86_88delAAG (NM_001267039.1); short protein forms E22del.
Identifiers: ClinVar variation 777974 (VCV000777974.33), dbSNP rs570445594, ClinGen allele CA3048924.
Genomic context (GRCh38, chr4:112,644,730, plus strand): 5'-ATGGAAACTGAAAGTGGAAATCAGGAAAAGGTAATGGAAGAAGAAAGCACTGAAAAGAAA[AAAG>A]AAGTTGAAAAAAAGAAACGGTCACGAGTTAAACAGGTGCTTGCAGATATTGCTAAGCAAG-3'